The following is an entry in ClinVar:

ClinVar aggregate classification (germline): Likely benign (1 of 4 stars; one submission).

Submission:

CeGaT Center for Human Genetics Tuebingen
Classification: Likely benign. Last evaluated: 2022-12-01. Review status: criteria provided, single submitter. Criteria: CeGaT Center For Human Genetics Tuebingen Variant Classification Criteria Version 2. Collection method: clinical testing. Allele origin: germline. Affected: yes. Observed: 1 variant allele.
Comment: LSM14A: PM2:Supporting, BP4, BP7

NM_015578.4(LSM14A):c.30C>T (p.Ser10=)

Gene: LSM14A (LSM14A mRNA processing body assembly factor; plus strand). Cytogenetic location: 19q13.11.
Variant type: single nucleotide variant.
Coding change: c.30C>T on transcript NM_015578.4 (MANE Select); coding-DNA position 30, C replaced by T.
Protein change: p.Ser10=; no amino-acid change (serine 10 retained).
Molecular consequence: synonymous variant. On other transcripts: 5 prime UTR variant (6), non-coding transcript variant (6).
Genome position (GRCh38, 1-based): chr19:34,172,672, C>T. VCF-style: chr19-34172672-C-T. GRCh37 (hg19) VCF-style: chr19-34663577-C-T.
Other names: c.30C>T, p.Ser10= (NM_001114093.3, NM_001384420.1, NM_001384421.1 and 10 more transcripts); c.-263C>T (NM_001384430.1); c.-410C>T (NM_001384431.1); c.-394C>T (NM_001384432.1); c.-859C>T (NM_001384433.1); c.-1001C>T (NM_001384434.1); c.-346C>T (NM_001384437.1).
Identifiers: ClinVar variation 2649698 (VCV002649698.24), dbSNP rs2513255941, ClinGen allele CA506689849.